The following is an entry in ClinVar:

NM_005739.4(RASGRP1):c.143G>A (p.Arg48Gln)

Gene: RASGRP1 (RAS guanyl releasing protein 1; minus strand). Cytogenetic location: 15q14.
Variant type: single nucleotide variant.
Coding change: c.143G>A on transcript NM_005739.4 (MANE Select); coding-DNA position 143, G replaced by A.
Protein change: p.Arg48Gln; replaces arginine 48 with glutamine.
Molecular consequence: missense variant.
Genome position (GRCh38, 1-based): chr15:38,559,898, C>T on the plus strand (G>A on the coding strand, the complement: RASGRP1 is on the minus strand). VCF-style: chr15-38559898-C-T. GRCh37 (hg19) VCF-style: chr15-38852099-C-T.
Other names: p.Arg48Gln; c.143G>A, p.Arg48Gln (NM_001128602.2, NM_001306086.2); c.143G>A (NM_005739.3); short protein forms R48Q.
Identifiers: ClinVar variation 1645282 (VCV001645282.10), dbSNP rs202243185, ClinGen allele CA7471195.

ClinVar aggregate classification (germline): Conflicting classifications of pathogenicity. Review status: criteria provided, conflicting classifications (1 of 4 stars). 3 submissions from 3 submitters: Uncertain significance (1); Likely benign (2). Last evaluated 2026-01-25.

Allele frequency attached by ClinVar (database versions not stated): gnomAD exomes 0.00004 and 0.00016; ExAC 0.00022; ESP Exome Variant Server 0.00049; gnomAD 0.00050 and 0.00052; TOPMed 0.00050; 1000 Genomes Project 30x 0.00062; 1000 Genomes Project 0.00080.
gnomAD v4.1: 145 of 1,613,788 alleles (0.009%); highest among the groups gnomAD compares: African/African-American, 0.16%; no homozygotes.

Submissions (3):

Labcorp Genetics (formerly Invitae), Labcorp
Classification: Likely benign. Last evaluated: 2026-01-25. Review status: criteria provided, single submitter. Criteria: Invitae Variant Classification Sherloc (09022015). Collection method: clinical testing. Allele origin: germline.

Mayo Clinic Laboratories, Mayo Clinic
Classification: Likely benign. Last evaluated: 2025-11-06. Review status: criteria provided, single submitter. Criteria: ACMG Guidelines, 2015. Collection method: clinical testing. Allele origin: germline. Observed: 1 variant allele.
Comment: BS1, BP4

Ambry Genetics
Classification: Uncertain significance. Last evaluated: 2024-07-07. Review status: criteria provided, single submitter. Criteria: Ambry Variant Classification Scheme 2023. Collection method: clinical testing. Allele origin: germline.